The following is an entry in ClinVar:

ClinVar aggregate classification (germline): Uncertain significance. Review status: criteria provided, multiple submitters, no conflicts (2 of 4 stars). 2 submissions from 2 submitters: Uncertain significance (2). Last evaluated 2024-05-30.

Allele frequency attached by ClinVar (database versions not stated): gnomAD 0.00001; ExAC 0.00002; ESP Exome Variant Server 0.00008.
gnomAD v4.1: 12 of 1,612,992 alleles (0.00074%); highest among the groups gnomAD compares: African/African-American, 0.0013%; no homozygotes.

Submissions (2):

Blueprint Genetics
Classification: Uncertain significance. Last evaluated: 2024-05-30. Review status: criteria provided, single submitter. Criteria: ACMG Guidelines, 2015. Collection method: clinical testing. Allele origin: germline.

Labcorp Genetics (formerly Invitae), Labcorp
Classification: Uncertain significance. Last evaluated: 2021-09-15. Review status: criteria provided, single submitter. Criteria: Invitae Variant Classification Sherloc (09022015). Collection method: clinical testing. Allele origin: germline.
Comment: This sequence change falls in intron 2 of the USH1C gene. It does not directly change the encoded amino acid sequence of the USH1C protein. It affects a nucleotide within the consensus splice site of the intron. This variant is present in population databases (rs373640439, ExAC 0.01%). This variant has not been reported in the literature in individuals affected with USH1C-related conditions. Variants that disrupt the consensus splice site are a relatively common cause of aberrant splicing (PMID: 17576681, 9536098). Algorithms developed to predict the effect of sequence changes on RNA splicing suggest that this variant may disrupt the consensus splice site. In summary, the available evidence is currently insufficient to determine the role of this variant in disease. Therefore, it has been classified as a Variant of Uncertain Significance.

Literature cited by the submitters: PubMed 17576681 (cited by Labcorp Genetics (formerly Invitae), Labcorp); PubMed 9536098 (cited by Labcorp Genetics (formerly Invitae), Labcorp).

NM_153676.4(USH1C):c.104+3A>T

Gene: USH1C (USH1 protein network component harmonin; minus strand). Cytogenetic location: 11p15.1.
Variant type: single nucleotide variant.
Coding change: c.104+3A>T on transcript NM_153676.4 (MANE Select); 3 bases into the intron after coding-DNA position 104, A replaced by T.
Molecular consequence: intron variant.
Genome position (GRCh38, 1-based): chr11:17,533,252, T>A on the plus strand (A>T on the coding strand, the complement: USH1C is on the minus strand). VCF-style: chr11-17533252-T-A. GRCh37 (hg19) VCF-style: chr11-17554799-T-A.
Other names: c.104+3A>T (NM_001297764.2, NM_005709.4).
Identifiers: ClinVar variation 2428057 (VCV002428057.4), dbSNP rs373640439, ClinGen allele CA5905183.
Genomic context (GRCh38, chr11:17,533,252, plus strand): 5'-CCAGGGCTCCCTGAAGACAAAGGAACCCAAGTGGCCCACAAGAGCTGGACCCAGCACACT[T>A]ACTGGTGGTACATTCGCAGCACATCATAGAGATAGTCCTTCTCTGCATCATTTTCAATCA-3'